The following is an entry in ClinVar:

ClinVar aggregate classification (germline): Uncertain significance (1 of 4 stars; one submission).

Allele frequency attached by ClinVar (database versions not stated): gnomAD exomes 0.00002 and 0.00003; TOPMed 0.00003; 1000 Genomes Project 0.00040; gnomAD 0.00004 and 0.00002; 1000 Genomes Project 30x 0.00047.
gnomAD v4.1: 49 of 1,594,878 alleles (0.0031%); highest among the groups gnomAD compares: Admixed American, 0.037%; no homozygotes.

Submission:

GeneDx
Classification: Uncertain significance. Last evaluated: 2026-10-14. Review status: criteria provided, single submitter. Criteria: GeneDx Variant Classification Process June 2021. Collection method: clinical testing. Allele origin: germline.
Comment: In silico analysis supports that this missense variant has a deleterious effect on protein structure/function; This variant is associated with the following publications: (PMID: 22549935, 38168586)

NM_004959.5(NR5A1):c.704C>T (p.Pro235Leu)

Gene: NR5A1 (nuclear receptor subfamily 5 group A member 1; minus strand). Cytogenetic location: 9q33.3.
Variant type: single nucleotide variant.
Coding change: c.704C>T on transcript NM_004959.5 (MANE Select); coding-DNA position 704, C replaced by T.
Protein change: p.Pro235Leu; replaces proline 235 with leucine.
Molecular consequence: missense variant.
Genome position (GRCh38, 1-based): chr9:124,500,256, G>A on the plus strand (C>T on the coding strand, the complement: NR5A1 is on the minus strand). VCF-style: chr9-124500256-G-A. GRCh37 (hg19) VCF-style: chr9-127262535-G-A.
Other names: short protein forms P235L.
Identifiers: ClinVar variation 1303098 (VCV001303098.3), dbSNP rs199761539, ClinGen allele CA5235417.